The following is an entry in ClinVar:

NM_018896.5(CACNA1G):c.4326G>A (p.Gln1442=)

Gene: CACNA1G (calcium voltage-gated channel subunit alpha1 G; plus strand). Cytogenetic location: 17q21.33.
Variant type: single nucleotide variant.
Coding change: c.4326G>A on transcript NM_018896.5 (MANE Select); coding-DNA position 4326, G replaced by A.
Protein change: p.Gln1442=; no amino-acid change (glutamine 1442 retained).
Molecular consequence: synonymous variant. On other transcripts: non-coding transcript variant (5).
Genome position (GRCh38, 1-based): chr17:50,605,927, G>A. VCF-style: chr17-50605927-G-A. GRCh37 (hg19) VCF-style: chr17-48683288-G-A.
Other names: c.4326G>A, p.Gln1442= (NM_001256324.2, NM_001256325.2, NM_001256326.2 and 16 more transcripts); c.4257G>A, p.Gln1419= (NM_001256332.2, NM_198376.3, NM_198379.3 and 5 more transcripts).
Identifiers: ClinVar variation 2647923 (VCV002647923.24), dbSNP rs1228715547, ClinGen allele CA500999658.

ClinVar aggregate classification (germline): Likely benign (1 of 4 stars; one submission).

Allele frequency attached by ClinVar (database versions not stated): gnomAD 0.00001; gnomAD exomes 0.00001; TOPMed 0.00001.
gnomAD v4.1: 21 of 1,613,408 alleles (0.0013%); highest among the groups gnomAD compares: Non-Finnish European, 0.0014%; no homozygotes.

Submission:

CeGaT Center for Human Genetics Tuebingen
Classification: Likely benign. Last evaluated: 2022-08-01. Review status: criteria provided, single submitter. Criteria: CeGaT Center For Human Genetics Tuebingen Variant Classification Criteria Version 2. Collection method: clinical testing. Allele origin: germline. Affected: yes. Observed: 1 variant allele.
Comment: CACNA1G: BP4